The following is an entry in ClinVar:

NM_001174147.2(LMX1B):c.1139C>T (p.Ser380Phe)

Gene: LMX1B (LIM homeobox transcription factor 1 beta; plus strand). Cytogenetic location: 9q33.3.
Variant type: single nucleotide variant.
Coding change: c.1139C>T on transcript NM_001174147.2 (MANE Select); coding-DNA position 1139, C replaced by T.
Protein change: p.Ser380Phe; replaces serine 380 with phenylalanine.
Molecular consequence: missense variant.
Genome position (GRCh38, 1-based): chr9:126,696,381, C>T. VCF-style: chr9-126696381-C-T. GRCh37 (hg19) VCF-style: chr9-129458660-C-T.
Other names: c.1151C>T, p.Ser384Phe (NM_001174146.2); c.1118C>T, p.Ser373Phe (NM_002316.4); short protein forms S373F, S380F, S384F.
Identifiers: ClinVar variation 2987706 (VCV002987706.3), dbSNP rs2030335752, ClinGen allele CA374916357.

ClinVar aggregate classification (germline): Uncertain significance (1 of 4 stars; one submission).

Allele frequency attached by ClinVar (database versions not stated): gnomAD exomes below 0.00001.
gnomAD v4.1: 1 of 1,614,108 alleles (0.000062%); highest among the groups gnomAD compares: Non-Finnish European, 0.000085%; no homozygotes.

Submission:

Labcorp Genetics (formerly Invitae), Labcorp
Classification: Uncertain significance. Last evaluated: 2024-04-15. Review status: criteria provided, single submitter. Criteria: Invitae Variant Classification Sherloc (09022015). Collection method: clinical testing. Allele origin: germline.
Comment: This sequence change replaces serine, which is neutral and polar, with phenylalanine, which is neutral and non-polar, at codon 373 of the LMX1B protein (p.Ser373Phe). This variant is not present in population databases (gnomAD no frequency). This variant has not been reported in the literature in individuals affected with LMX1B-related conditions. An algorithm developed to predict the effect of missense changes on protein structure and function (PolyPhen-2) suggests that this variant is likely to be tolerated. In summary, the available evidence is currently insufficient to determine the role of this variant in disease. Therefore, it has been classified as a Variant of Uncertain Significance.